The following is an entry in ClinVar:

ClinVar aggregate classification (germline): Uncertain significance (1 of 4 stars; one submission).

Conditions:
Adams-Oliver syndrome 5 (AOS5). Identifiers: Orphanet 974, MedGen C4014970, MONDO:0014459, OMIM 616028.

Allele frequency attached by ClinVar (database versions not stated): gnomAD exomes below 0.00001.
gnomAD v4.1: 1 of 1,608,624 alleles (0.000062%); highest among the groups gnomAD compares: Non-Finnish European, 0.000085%; no homozygotes.

Submission:

Labcorp Genetics (formerly Invitae), Labcorp
Classification: Uncertain significance for Adams-Oliver syndrome 5. Last evaluated: 2022-06-19. Review status: criteria provided, single submitter. Criteria: Invitae Variant Classification Sherloc (09022015). Collection method: clinical testing. Allele origin: germline.
Comment: In summary, the available evidence is currently insufficient to determine the role of this variant in disease. Therefore, it has been classified as a Variant of Uncertain Significance. Variants that disrupt the consensus splice site are a relatively common cause of aberrant splicing (PMID: 17576681, 9536098). Algorithms developed to predict the effect of sequence changes on RNA splicing suggest that this variant may disrupt the consensus splice site. This variant has not been reported in the literature in individuals affected with NOTCH1-related conditions. This variant is not present in population databases (gnomAD no frequency). This sequence change falls in intron 10 of the NOTCH1 gene. It does not directly change the encoded amino acid sequence of the NOTCH1 protein. It affects a nucleotide within the consensus splice site.

Literature cited by the submitters: PubMed 17576681; PubMed 9536098.

NM_017617.5(NOTCH1):c.1669+3G>A

Gene: NOTCH1 (notch receptor 1; minus strand). Cytogenetic location: 9q34.3.
Variant type: single nucleotide variant.
Coding change: c.1669+3G>A on transcript NM_017617.5 (MANE Select); 3 bases into the intron after coding-DNA position 1669, G replaced by A.
Molecular consequence: intron variant.
Genome position (GRCh38, 1-based): chr9:136,515,978, C>T on the plus strand (G>A on the coding strand, the complement: NOTCH1 is on the minus strand). VCF-style: chr9-136515978-C-T. GRCh37 (hg19) VCF-style: chr9-139410430-C-T.
Identifiers: ClinVar variation 2039243 (VCV002039243.4), dbSNP rs2133365020, ClinGen allele CA2580080923.